The following is an entry in ClinVar:

ClinVar aggregate classification (germline): Uncertain significance. Review status: criteria provided, multiple submitters, no conflicts (2 of 4 stars). 2 submissions from 2 submitters: Uncertain significance (2). Last evaluated 2025-09-25.

Conditions:
Hereditary cancer-predisposing syndrome. Also called: Neoplastic Syndromes, Hereditary; Tumor predisposition; Hereditary Cancer Syndrome; Hereditary neoplastic syndrome. Identifiers: Orphanet 140162, MedGen C0027672, MeSH D009386, MONDO:0015356.

Allele frequency attached by ClinVar (database versions not stated): TOPMed below 0.00001; gnomAD 0.00001.
gnomAD v4.1: 2 of 1,578,414 alleles (0.00013%); highest among the groups gnomAD compares: African/African-American, 0.0027%; no homozygotes.

Submissions (2):

Ambry Genetics
Classification: Uncertain significance for Hereditary cancer-predisposing syndrome. Last evaluated: 2025-09-25. Review status: criteria provided, single submitter. Criteria: Ambry Variant Classification Scheme 2023. Collection method: clinical testing. Allele origin: germline.
Comment: The p.P252L variant (also known as c.755C>T), located in coding exon 4 of the BARD1 gene, results from a C to T substitution at nucleotide position 755. The proline at codon 252 is replaced by leucine, an amino acid with similar properties. This amino acid position is not well conserved in available vertebrate species. In addition, this alteration is predicted to be tolerated by in silico analysis. Since supporting evidence is limited at this time, the clinical significance of this alteration remains unclear.

Color Diagnostics, LLC DBA Color Health
Classification: Uncertain significance for Hereditary cancer-predisposing syndrome. Last evaluated: 2022-04-05. Review status: criteria provided, single submitter. Criteria: ACMG Guidelines, 2015. Collection method: clinical testing. Allele origin: germline.
Comment: This missense variant replaces proline with leucine at codon 252 of the BARD1 protein. Computational prediction suggests that this variant may not impact protein structure and function (internally defined REVEL score threshold <= 0.5, PMID: 27666373). To our knowledge, functional studies have not been reported for this variant. This variant has not been reported in individuals affected with hereditary cancer in the literature. This variant has not been identified in the general population by the Genome Aggregation Database (gnomAD). The available evidence is insufficient to determine the role of this variant in disease conclusively. Therefore, this variant is classified as a Variant of Uncertain Significance.

NM_000465.4(BARD1):c.755C>T (p.Pro252Leu)

Gene: BARD1 (BRCA1 associated RING domain 1; minus strand). Cytogenetic location: 2q35.
Variant type: single nucleotide variant.
Coding change: c.755C>T on transcript NM_000465.4 (MANE Select); coding-DNA position 755, C replaced by T.
Protein change: p.Pro252Leu; replaces proline 252 with leucine.
Molecular consequence: missense variant. On other transcripts: non-coding transcript variant (2), intron variant (3).
Genome position (GRCh38, 1-based): chr2:214,781,119, G>A on the plus strand (C>T on the coding strand, the complement: BARD1 is on the minus strand). VCF-style: chr2-214781119-G-A. GRCh37 (hg19) VCF-style: chr2-215645843-G-A.
Other names: c.698C>T, p.Pro233Leu (NM_001282543.2); c.158+28293C>T (NM_001282548.2); c.215+15942C>T (NM_001282545.2); c.364+11178C>T (NM_001282549.2); short protein forms P252L, P233L.
Identifiers: ClinVar variation 1759511 (VCV001759511.5), dbSNP rs1694995182, ClinGen allele CA350456040.